The following is an entry in ClinVar:

NM_182914.3(SYNE2):c.17938T>C (p.Leu5980=)

Gene: SYNE2 (spectrin repeat containing nuclear envelope protein 2; plus strand). Cytogenetic location: 14q23.2.
Variant type: single nucleotide variant.
Coding change: c.17938T>C on transcript NM_182914.3 (MANE Select); coding-DNA position 17938, T replaced by C.
Protein change: p.Leu5980=; no amino-acid change (leucine 5980 retained).
Molecular consequence: synonymous variant.
Genome position (GRCh38, 1-based): chr14:64,190,137, T>C. VCF-style: chr14-64190137-T-C. GRCh37 (hg19) VCF-style: chr14-64656855-T-C.
Other names: c.17938T>C, p.Leu5980= (NM_015180.6).
Identifiers: ClinVar variation 130488 (VCV000130488.23), dbSNP rs2256191, ClinGen allele CA155562.

ClinVar aggregate classification (germline): Benign. Review status: criteria provided, multiple submitters, no conflicts (2 of 4 stars). 9 submissions from 9 submitters: Benign (7). 2 of the submissions do not count toward it. Last evaluated 2026-02-04.

Conditions:
Emery-Dreifuss muscular dystrophy 5, autosomal dominant (EDMD5). Also called: EMERY-DREIFUSS MUSCULAR DYSTROPHY 5. Identifiers: Orphanet 261, MedGen C2751805, MONDO:0013072, OMIM 612999.

Allele frequency attached by ClinVar (database versions not stated): gnomAD 0.46622 and 0.47326; TOPMed 0.48680; gnomAD exomes 0.36252 and 0.38765; ExAC 0.39430; 1000 Genomes Project 0.48702; ESP Exome Variant Server 0.49185; 1000 Genomes Project 30x 0.49703.
gnomAD v4.1: 602,376 of 1,613,720 alleles (37%); highest among the groups gnomAD compares: African/African-American, 75%; 119,799 homozygotes.

Submissions (9):

Labcorp Genetics (formerly Invitae), Labcorp
Classification: Benign for Emery-Dreifuss muscular dystrophy 5, autosomal dominant. Last evaluated: 2026-02-04. Review status: criteria provided, single submitter. Criteria: Invitae Variant Classification Sherloc (09022015). Collection method: clinical testing. Allele origin: germline.

Genome-Nilou Lab
Classification: Benign for Emery-Dreifuss muscular dystrophy 5, autosomal dominant. Last evaluated: 2021-07-15. Review status: criteria provided, single submitter. Criteria: ACMG Guidelines, 2015. Collection method: clinical testing. Allele origin: germline. Affected: no.

Athena Diagnostics
Classification: Benign. Last evaluated: 2018-11-28. Review status: criteria provided, single submitter. Criteria: Athena Diagnostics Criteria. Collection method: clinical testing. Allele origin: germline.

GeneDx
Classification: Benign. Last evaluated: 2018-07-09. Review status: criteria provided, single submitter. Criteria: GeneDx Variant Classification Process June 2021. Collection method: clinical testing. Allele origin: germline. Affected: yes.

Illumina Laboratory Services, Illumina
Classification: Benign for Emery-Dreifuss muscular dystrophy 5, autosomal dominant. Last evaluated: 2018-01-13. Review status: criteria provided, single submitter. Criteria: ICSL Variant Classification Criteria 13 December 2019. Collection method: clinical testing. Allele origin: germline.
Comment: This variant was observed in the ICSL laboratory as part of a predisposition screen in an ostensibly healthy population. It had not been previously curated by ICSL or reported in the Human Gene Mutation Database (HGMD: prior to June 1st, 2018), and was therefore a candidate for classification through an automated scoring system. Utilizing variant allele frequency, disease prevalence and penetrance estimates, and inheritance mode, an automated score was calculated to assess if this variant is too frequent to cause the disease. Based on the score and internal cut-off values, a variant classified as benign is not then subjected to further curation. The score for this variant resulted in a classification of benign for this disease.

Genetic Services Laboratory, University of Chicago
Classification: Benign for AllHighlyPenetrant. Last evaluated: 2013-08-15. Review status: criteria provided, single submitter. Criteria: ACMG Guidelines, 2007. Collection method: clinical testing. Allele origin: germline. Inheritance: Autosomal dominant inheritance.

Breakthrough Genomics
Classification: Benign. Review status: criteria provided, single submitter. Criteria: ACMG Guidelines, 2015. Collection method: not provided. Allele origin: germline. Inheritance: Autosomal dominant inheritance. Affected: yes.

Clinical Genetics, Academic Medical Center
Classification: Benign. Review status: no assertion criteria provided. Collection method: clinical testing. Allele origin: germline. Affected: yes. Study: VKGL Data-share Consensus. Not counted in ClinVar's aggregate classification.

Diagnostic Laboratory, Department of Genetics, University Medical Center Groningen
Classification: Benign for Emery-Dreifuss muscular dystrophy 5, autosomal dominant. Review status: no assertion criteria provided. Collection method: clinical testing. Allele origin: germline. Affected: yes. Study: VKGL Data-share Consensus. Not counted in ClinVar's aggregate classification.